The following is an entry in ClinVar:

NM_001039111.3(TRIM71):c.651G>A (p.Glu217=)

Gene: TRIM71 (tripartite motif containing 71; plus strand). Cytogenetic location: 3p22.3.
Variant type: single nucleotide variant.
Coding change: c.651G>A on transcript NM_001039111.3 (MANE Select); coding-DNA position 651, G replaced by A.
Protein change: p.Glu217=; no amino-acid change (glutamic acid 217 retained).
Molecular consequence: synonymous variant.
Genome position (GRCh38, 1-based): chr3:32,818,731, G>A. VCF-style: chr3-32818731-G-A. GRCh37 (hg19) VCF-style: chr3-32860223-G-A.
Identifiers: ClinVar variation 4822514 (VCV004822514.4).
Genomic context (GRCh38, chr3:32,818,731, plus strand): 5'-CGGCTGCAGCTCGTGCGATGAGGGCAACGCAGCTTCTTCGCGCTGCCTCGACTGCCAGGA[G>A]CACCTGTGCGACAACTGCGTCCGAGCGCACCAGCGCGTGCGCCTCACCAAGGACCACTAC-3'
Protein context (NP_001034200.1, residues 207-227): AASSRCLDCQ[Glu217=]HLCDNCVRAH

ClinVar aggregate classification (germline): Likely benign (1 of 4 stars; one submission).

gnomAD v4.1: 5 of 1,599,912 alleles (0.00031%); highest among the groups gnomAD compares: African/African-American, 0.0027%; no homozygotes.

Submission:

CeGaT Center for Human Genetics Tuebingen
Classification: Likely benign. Last evaluated: 2026-03-01. Review status: criteria provided, single submitter. Criteria: CeGaT Center For Human Genetics Tuebingen Variant Classification Criteria Version 2. Collection method: clinical testing. Allele origin: germline. Affected: yes. Observed: 1 variant allele.
Comment: TRIM71: BP4, BP7